The following is an entry in ClinVar:

ClinVar aggregate classification (germline): Uncertain significance. Review status: criteria provided, multiple submitters, no conflicts (2 of 4 stars). 2 submissions from 2 submitters: Uncertain significance (2). Last evaluated 2023-08-22.

Conditions:
Hereditary cancer-predisposing syndrome. Also called: Hereditary neoplastic syndrome; Tumor predisposition; Hereditary Cancer Syndrome; Neoplastic Syndromes, Hereditary. Identifiers: Orphanet 140162, MedGen C0027672, MeSH D009386, MONDO:0015356.

Submissions (2):

Ambry Genetics
Classification: Uncertain significance for Hereditary cancer-predisposing syndrome. Last evaluated: 2023-08-22. Review status: criteria provided, single submitter. Criteria: Ambry Variant Classification Scheme 2023. Collection method: clinical testing. Allele origin: germline.
Comment: The p.D728E variant (also known as c.2184T>G), located in coding exon 10 of the BRCA2 gene, results from a T to G substitution at nucleotide position 2184. The aspartic acid at codon 728 is replaced by glutamic acid, an amino acid with highly similar properties. This amino acid position is not well conserved in available vertebrate species. In addition, this alteration is predicted to be tolerated by in silico analysis. Since supporting evidence is limited at this time, the clinical significance of this alteration remains unclear.

GeneDx
Classification: Uncertain significance. Last evaluated: 2023-06-06. Review status: criteria provided, single submitter. Criteria: GeneDx Variant Classification Process June 2021. Collection method: clinical testing. Allele origin: germline. Affected: yes.
Comment: Not observed at significant frequency in large population cohorts (gnomAD); In silico analysis supports that this missense variant has a deleterious effect on protein structure/function; Has not been previously published as pathogenic or benign to our knowledge; Also known as 2412T>G; This variant is associated with the following publications: (PMID: 21084279)

NM_000059.4(BRCA2):c.2184T>G (p.Asp728Glu)

Gene: BRCA2 (BRCA2 DNA repair associated; plus strand). Cytogenetic location: 13q13.1.
Variant type: single nucleotide variant.
Coding change: c.2184T>G on transcript NM_000059.4 (MANE Select); coding-DNA position 2184, T replaced by G.
Protein change: p.Asp728Glu; replaces aspartic acid 728 with glutamic acid.
Molecular consequence: missense variant. On other transcripts: non-coding transcript variant (1), intron variant (2).
Genome position (GRCh38, 1-based): chr13:32,336,539, T>G. VCF-style: chr13-32336539-T-G. GRCh37 (hg19) VCF-style: chr13-32910676-T-G.
Other names: c.2184T>G, p.Asp728Glu (NM_001406719.1, NM_001406720.1); c.1909+3152T>G (NM_001406721.1); c.424+5509T>G (NM_001406722.1); short protein forms D728E.
Identifiers: ClinVar variation 2586309 (VCV002586309.3), dbSNP rs2137484027, ClinGen allele CA387770393.